The following is an entry in ClinVar:

NM_001256789.3(CACNA1F):c.3633G>A (p.Met1211Ile)

Gene: CACNA1F (calcium voltage-gated channel subunit alpha1 F; minus strand). Cytogenetic location: Xp11.23.
Variant type: single nucleotide variant.
Coding change: c.3633G>A on transcript NM_001256789.3 (MANE Select); coding-DNA position 3633, G replaced by A.
Protein change: p.Met1211Ile; replaces methionine 1211 with isoleucine.
Molecular consequence: missense variant.
Genome position (GRCh38, 1-based): chrX:49,214,234, C>T on the plus strand (G>A on the coding strand, the complement: CACNA1F is on the minus strand). VCF-style: chrX-49214234-C-T. GRCh37 (hg19) VCF-style: chrX-49070694-C-T.
Other names: c.3471G>A, p.Met1157Ile (NM_001256790.3); c.3666G>A, p.Met1222Ile (NM_005183.4); short protein forms M1157I, M1211I, M1222I.
Identifiers: ClinVar variation 2430568 (VCV002430568.1), dbSNP rs138798541, ClinGen allele CA412962919.

ClinVar aggregate classification (germline): Uncertain significance (1 of 4 stars; one submission).

Submission:

GeneDx
Classification: Uncertain significance. Last evaluated: 2022-08-24. Review status: criteria provided, single submitter. Criteria: GeneDx Variant Classification Process June 2021. Collection method: clinical testing. Allele origin: germline. Affected: yes.
Comment: Not observed at significant frequency in large population cohorts (gnomAD); In silico analysis supports that this missense variant has a deleterious effect on protein structure/function; Has not been previously published as pathogenic or benign to our knowledge